The following is an entry in ClinVar:

NM_000388.4(CASR):c.134C>A (p.Ala45Glu)

Gene: CASR (calcium sensing receptor; plus strand). Cytogenetic location: 3q21.1.
Variant type: single nucleotide variant.
Coding change: c.134C>A on transcript NM_000388.4 (MANE Select); coding-DNA position 134, C replaced by A.
Protein change: p.Ala45Glu; replaces alanine 45 with glutamic acid.
Molecular consequence: missense variant.
Genome position (GRCh38, 1-based): chr3:122,254,323, C>A. VCF-style: chr3-122254323-C-A. GRCh37 (hg19) VCF-style: chr3-121973170-C-A.
Other names: c.134C>A, p.Ala45Glu (NM_001178065.2); short protein forms A45E.
Identifiers: ClinVar variation 410327 (VCV000410327.13), dbSNP rs779995504, ClinGen allele CA2569424.

ClinVar aggregate classification (germline): Uncertain significance. Review status: criteria provided, multiple submitters, no conflicts (2 of 4 stars). 4 submissions from 4 submitters: Uncertain significance (4). Last evaluated 2023-11-30.

Conditions:
Nephrolithiasis/nephrocalcinosis. Identifiers: MedGen CN580796.
Autosomal dominant hypocalcemia 1 (HYPOC1). Also called: HYPOCALCEMIA, FAMILIAL. Identifiers: MedGen C3715128, MONDO:0011013, OMIM 601198.
Familial hypocalciuric hypercalcemia (FHH). Also called: Familial benign hypercalcemia. Identifiers: Orphanet 405, MedGen C1809471, MONDO:0018458.

gnomAD v4.1: 4 of 1,614,148 alleles (0.00025%); highest among the groups gnomAD compares: Non-Finnish European, 0.00034%; no homozygotes.

Submissions (4):

Ambry Genetics
Classification: Uncertain significance for Nephrolithiasis/nephrocalcinosis. Last evaluated: 2023-11-30. Review status: criteria provided, single submitter. Criteria: Ambry Variant Classification Scheme 2023. Collection method: clinical testing. Allele origin: germline.
Comment: The p.A45E variant (also known as c.134C>A), located in coding exon 1 of the CASR gene, results from a C to A substitution at nucleotide position 134. The alanine at codon 45 is replaced by glutamic acid, an amino acid with dissimilar properties. This amino acid position is well conserved in available vertebrate species. In addition, the in silico prediction for this alteration is inconclusive. Since supporting evidence is limited at this time, the clinical significance of this alteration remains unclear.

Labcorp Genetics (formerly Invitae), Labcorp
Classification: Uncertain significance for Familial hypocalciuric hypercalcemia; Autosomal dominant hypocalcemia 1. Last evaluated: 2023-02-18. Review status: criteria provided, single submitter. Criteria: Invitae Variant Classification Sherloc (09022015). Collection method: clinical testing. Allele origin: germline.
Comment: In summary, the available evidence is currently insufficient to determine the role of this variant in disease. Therefore, it has been classified as a Variant of Uncertain Significance. An algorithm developed to predict the effect of missense changes on protein structure and function (PolyPhen-2) suggests that this variant is likely to be tolerated. ClinVar contains an entry for this variant (Variation ID: 410327). This variant has not been reported in the literature in individuals affected with CASR-related conditions. This variant is not present in population databases (gnomAD no frequency). This sequence change replaces alanine, which is neutral and non-polar, with glutamic acid, which is acidic and polar, at codon 45 of the CASR protein (p.Ala45Glu).

Blueprint Genetics
Classification: Uncertain significance. Last evaluated: 2020-08-28. Review status: criteria provided, single submitter. Criteria: ACMG Guidelines, 2015. Collection method: clinical testing. Allele origin: germline.

GeneDx
Classification: Uncertain significance. Last evaluated: 2019-04-15. Review status: criteria provided, single submitter. Criteria: GeneDx Variant Classification Process June 2021. Collection method: clinical testing. Allele origin: germline. Affected: yes.
Comment: Not observed in large population cohorts (Lek et al., 2016); In silico analysis, which includes protein predictors and evolutionary conservation, supports that this variant does not alter protein structure/function; Has not been previously published as pathogenic or benign to our knowledge